The following is an entry in ClinVar:

NM_020754.4(ARHGAP31):c.682G>A (p.Glu228Lys)

Gene: ARHGAP31 (Rho GTPase activating protein 31; plus strand). Cytogenetic location: 3q13.33.
Variant type: single nucleotide variant.
Coding change: c.682G>A on transcript NM_020754.4 (MANE Select); coding-DNA position 682, G replaced by A.
Protein change: p.Glu228Lys; replaces glutamic acid 228 with lysine.
Molecular consequence: missense variant.
Genome position (GRCh38, 1-based): chr3:119,383,226, G>A. VCF-style: chr3-119383226-G-A. GRCh37 (hg19) VCF-style: chr3-119102073-G-A.
Other names: short protein forms E228K.
Identifiers: ClinVar variation 2629711 (VCV002629711.1), dbSNP rs2472835193, ClinGen allele CA354027848.

ClinVar aggregate classification (germline): Uncertain significance (1 of 4 stars; one submission).

Conditions:
ARHGAP31-related disorder. Also called: ARHGAP31-related condition.

Submission:

PreventionGenetics, part of Exact Sciences
Classification: Uncertain significance for ARHGAP31-related condition. Last evaluated: 2023-02-15. Review status: criteria provided, single submitter. Criteria: ACMG Guidelines, 2015. Collection method: clinical testing. Allele origin: germline.
Comment: The ARHGAP31 c.682G>A variant is predicted to result in the amino acid substitution p.Glu228Lys. To our knowledge, this variant has not been reported in the literature or in a large population database, indicating this variant is rare. At this time, the clinical significance of this variant is uncertain due to the absence of conclusive functional and genetic evidence.